The following is an entry in ClinVar:

ClinVar aggregate classification (germline): Pathogenic. Review status: criteria provided, multiple submitters, no conflicts (2 of 4 stars). 2 submissions from 2 submitters: Pathogenic (2). Last evaluated 2025-06-27.

Conditions:
Hereditary nonpolyposis colorectal neoplasms. Identifiers: MedGen C0009405, MeSH D003123.
Lynch syndrome 4 (LYNCH4). Also called: Hereditary non-polyposis colorectal cancer, type 4; Colorectal cancer, hereditary nonpolyposis, type 4. Identifiers: Orphanet 144, MedGen C1838333, MONDO:0013699, OMIM 614337. Disease mechanism: loss of function.

Submissions (2):

Labcorp Genetics (formerly Invitae), Labcorp
Classification: Pathogenic for Hereditary nonpolyposis colorectal neoplasms. Last evaluated: 2025-06-27. Review status: criteria provided, single submitter. Criteria: Invitae Variant Classification Sherloc (09022015). Collection method: clinical testing. Allele origin: germline.
Comment: This sequence change creates a premature translational stop signal (p.Tyr519Cysfs*22) in the PMS2 gene. It is expected to result in an absent or disrupted protein product. Loss-of-function variants in PMS2 are known to be pathogenic (PMID: 21376568, 24362816). This variant is not present in population databases (gnomAD no frequency). This variant has not been reported in the literature in individuals affected with PMS2-related conditions. ClinVar contains an entry for this variant (Variation ID: 2573298). For these reasons, this variant has been classified as Pathogenic.

Myriad Genetics, Inc.
Classification: Pathogenic for Lynch syndrome 4. Last evaluated: 2023-02-23. Review status: criteria provided, single submitter. Criteria: Myriad Autosomal Dominant, Autosomal Recessive and X-Linked Classification Criteria (2023). Collection method: clinical testing. Allele origin: unknown.
Comment: This variant is considered pathogenic. This variant creates a frameshift predicted to result in premature protein truncation.

Literature cited by the submitters: PubMed 21376568 (cited by Labcorp Genetics (formerly Invitae), Labcorp); PubMed 24362816 (cited by Labcorp Genetics (formerly Invitae), Labcorp).

NM_000535.7(PMS2):c.1556_1557del (p.Tyr519fs)

Gene: PMS2 (PMS1 homolog 2, mismatch repair system component; minus strand). Cytogenetic location: 7p22.1.
Variant type: Deletion.
Coding change: c.1556_1557del on transcript NM_000535.7 (MANE Select); coding-DNA positions 1556 to 1557, 2 bases deleted (AT; older notation c.1556_1557delAT).
Protein change: p.Tyr519fs; shifts the reading frame from tyrosine 519.
Molecular consequence: frameshift variant. On other transcripts: non-coding transcript variant (1), intron variant (1).
Genome position (GRCh38, 1-based): chr7:5,987,208-5,987,209, AT deleted on the plus strand (AT on the coding strand, the reverse complement: PMS2 is on the minus strand); deleting any 2 consecutive bases within chr7:5,987,208-5,987,210 gives the same sequence; the c. name uses the placement nearest the transcript's 3' end. VCF-style (leftmost placement, unchanged base first): chr7-5987207-CAT-C. GRCh37 (hg19) VCF-style: chr7-6026838-CAT-C.
Other names: c.1150_1151delTA, p.Tyr384Cysfs (NM_001018040.1); c.1151_1152del, p.Tyr384fs (NM_001322003.2, NM_001322004.2, NM_001322005.2 and 16 more transcripts); c.1400_1401del, p.Tyr467fs (NM_001322006.2, NM_001406870.1); c.1238_1239del, p.Tyr413fs (NM_001322007.2, NM_001322008.2, NM_001406876.1 and 2 more transcripts); c.995_996del, p.Tyr332fs (NM_001322010.2, NM_001406906.1, NM_001406907.1); c.623_624del, p.Tyr208fs (NM_001322011.2, NM_001322012.2); c.983_984del, p.Tyr328fs (NM_001322013.2, NM_001406909.1); c.1556_1557del, p.Tyr519fs (NM_001322014.2, NM_001406871.1, NM_001406872.1); and 14 more; short protein forms Y208fs, Y262fs, Y328fs, Y332fs, Y348fs, Y361fs, Y364fs, Y384fs.
Identifiers: ClinVar variation 2573298 (VCV002573298.2), dbSNP rs2535772329, ClinGen allele CA2580615850.